The following is an entry in ClinVar:

ClinVar aggregate classification (germline): Uncertain significance (1 of 4 stars; one submission).

Allele frequency attached by ClinVar (database versions not stated): gnomAD 0.00003 and 0.00005; gnomAD exomes 0.00003; ExAC 0.00004; TOPMed 0.00006; 1000 Genomes Project 0.00060; 1000 Genomes Project 30x 0.00062.
gnomAD v4.1: 48 of 1,614,084 alleles (0.003%); highest among the groups gnomAD compares: African/African-American, 0.015%; no homozygotes.

Submission:

Labcorp Genetics (formerly Invitae), Labcorp
Classification: Uncertain significance. Last evaluated: 2025-10-06. Review status: criteria provided, single submitter. Criteria: Invitae Variant Classification Sherloc (09022015). Collection method: clinical testing. Allele origin: germline.
Comment: This sequence change replaces threonine, which is neutral and polar, with methionine, which is neutral and non-polar, at codon 219 of the MS4A1 protein (p.Thr219Met). This variant is present in population databases (rs188842906, gnomAD 0.02%). This variant has not been reported in the literature in individuals affected with MS4A1-related conditions. ClinVar contains an entry for this variant (Variation ID: 1368590). An algorithm developed to predict the effect of missense changes on protein structure and function outputs the following: PolyPhen-2: "Benign". The methionine amino acid residue is found in multiple mammalian species, which suggests that this missense change does not adversely affect protein function. In summary, the available evidence is currently insufficient to determine the role of this variant in disease. Therefore, it has been classified as a Variant of Uncertain Significance.

NM_152866.3(MS4A1):c.656C>T (p.Thr219Met)

Gene: MS4A1 (membrane spanning 4-domains A1; plus strand). Cytogenetic location: 11q12.2.
Variant type: single nucleotide variant.
Coding change: c.656C>T on transcript NM_152866.3 (MANE Select); coding-DNA position 656, C replaced by T.
Protein change: p.Thr219Met; replaces threonine 219 with methionine.
Molecular consequence: missense variant.
Genome position (GRCh38, 1-based): chr11:60,467,041, C>T. VCF-style: chr11-60467041-C-T. GRCh37 (hg19) VCF-style: chr11-60234514-C-T.
Other names: c.656C>T, p.Thr219Met (NM_021950.4, NM_152867.2); short protein forms T219M.
Identifiers: ClinVar variation 1368590 (VCV001368590.8), dbSNP rs188842906, ClinGen allele CA6025050.